The following is an entry in ClinVar:

NM_006231.4(POLE):c.318T>G (p.Ile106Met)

Gene: POLE (DNA polymerase epsilon, catalytic subunit; minus strand). Cytogenetic location: 12q24.33.
Variant type: single nucleotide variant.
Coding change: c.318T>G on transcript NM_006231.4 (MANE Select); coding-DNA position 318, T replaced by G.
Protein change: p.Ile106Met; replaces isoleucine 106 with methionine.
Molecular consequence: missense variant.
Genome position (GRCh38, 1-based): chr12:132,680,190, A>C on the plus strand (T>G on the coding strand, the complement: POLE is on the minus strand). VCF-style: chr12-132680190-A-C. GRCh37 (hg19) VCF-style: chr12-133256776-A-C.
Other names: short protein forms I106M.
Identifiers: ClinVar variation 4744411 (VCV004744411.1).

ClinVar aggregate classification (germline): Uncertain significance (1 of 4 stars; one submission).

Submission:

Labcorp Genetics (formerly Invitae), Labcorp
Classification: Uncertain significance. Last evaluated: 2025-09-05. Review status: criteria provided, single submitter. Criteria: Invitae Variant Classification Sherloc (09022015). Collection method: clinical testing. Allele origin: germline.
Comment: This sequence change replaces isoleucine, which is neutral and non-polar, with methionine, which is neutral and non-polar, at codon 106 of the POLE protein (p.Ile106Met). This variant is not present in population databases (gnomAD no frequency). This variant has not been reported in the literature in individuals affected with POLE-related conditions. Invitae Evidence Modeling of protein sequence and biophysical properties (such as structural, functional, and spatial information, amino acid conservation, physicochemical variation, residue mobility, and thermodynamic stability) indicates that this missense variant is expected to disrupt POLE protein function with a positive predictive value of 80%. In summary, the available evidence is currently insufficient to determine the role of this variant in disease. Therefore, it has been classified as a Variant of Uncertain Significance.